The following is an entry in ClinVar:

ClinVar aggregate classification (germline): Likely pathogenic (1 of 4 stars; one submission).

Allele frequency attached by ClinVar (database versions not stated): TOPMed below 0.00001; ExAC 0.00001.
gnomAD v4.1: 4 of 1,582,856 alleles (0.00025%); highest among the groups gnomAD compares: Non-Finnish European, 0.00034%; no homozygotes.

Submission:

Labcorp Genetics (formerly Invitae), Labcorp
Classification: Likely pathogenic. Last evaluated: 2022-12-31. Review status: criteria provided, single submitter. Criteria: Invitae Variant Classification Sherloc (09022015). Collection method: clinical testing. Allele origin: germline.
Comment: This variant is present in population databases (rs757944511, gnomAD 0.002%). This sequence change affects an acceptor splice site in intron 14 of the AEBP1 gene. It is expected to disrupt RNA splicing. Variants that disrupt the donor or acceptor splice site typically lead to a loss of protein function (PMID: 16199547), and loss-of-function variants in AEBP1 are known to be pathogenic (PMID: 29606302). This variant has not been reported in the literature in individuals affected with AEBP1-related conditions. In summary, the currently available evidence indicates that the variant is pathogenic, but additional data are needed to prove that conclusively. Therefore, this variant has been classified as Likely Pathogenic. Algorithms developed to predict the effect of sequence changes on RNA splicing suggest that this variant may disrupt the consensus splice site.

Literature cited by the submitters: PubMed 16199547; PubMed 29606302.

NM_001129.5(AEBP1):c.1717-1G>C

Gene: AEBP1 (AE binding protein 1; plus strand). Cytogenetic location: 7p13.
Variant type: single nucleotide variant.
Coding change: c.1717-1G>C on transcript NM_001129.5 (MANE Select); the canonical splice acceptor site of the intron before coding-DNA position 1717, G replaced by C.
Molecular consequence: splice acceptor variant.
Genome position (GRCh38, 1-based): chr7:44,111,506, G>C. VCF-style: chr7-44111506-G-C. GRCh37 (hg19) VCF-style: chr7-44151105-G-C.
Identifiers: ClinVar variation 2993717 (VCV002993717.3), dbSNP rs757944511, ClinGen allele CA4237993.
Genomic context (GRCh38, chr7:44,111,506, plus strand): 5'-GGGCATGGTCAGCGGGGGACGGATTGCATGATTGATTCCACGTCCTCCCCCTCTGCCCCA[G>C]CTCATGAAGGTGGTGAACGAGGAGTGCCCCACCATCACCCGCACTTACAGCCTGGGCAAG-3'